The following is an entry in ClinVar:

ClinVar aggregate classification (germline): Benign/Likely benign. Review status: criteria provided, multiple submitters, no conflicts (2 of 4 stars). 6 submissions from 6 submitters: Benign (4); Likely benign (2). Last evaluated 2026-01-01.

Conditions:
Autoinflammatory syndrome. Identifiers: Orphanet 93665, MedGen C3890737, MONDO:0019751.
Pyogenic arthritis-pyoderma gangrenosum-acne syndrome (PAPA). Also called: PAPA SYNDROME; FAMILIAL RECURRENT ARTHRITIS. Identifiers: Orphanet 69126, MedGen C1858361, MONDO:0011462, OMIM 604416.

Allele frequency attached by ClinVar (database versions not stated): gnomAD 0.00037 and 0.00054; TOPMed 0.00054; gnomAD exomes 0.00075; ExAC 0.00087; 1000 Genomes Project 30x 0.00219; 1000 Genomes Project 0.00240.
gnomAD v4.1: 514 of 1,611,732 alleles (0.032%); highest among the groups gnomAD compares: East Asian, 0.86%; 4 homozygotes.

Submissions (6):

Labcorp Genetics (formerly Invitae), Labcorp
Classification: Benign for Pyogenic arthritis-pyoderma gangrenosum-acne syndrome. Last evaluated: 2026-01-01. Review status: criteria provided, single submitter. Criteria: Invitae Variant Classification Sherloc (09022015). Collection method: clinical testing. Allele origin: germline.

Blueprint Genetics
Classification: Likely benign. Last evaluated: 2024-10-23. Review status: criteria provided, single submitter. Criteria: ACMG Guidelines, 2015. Collection method: clinical testing. Allele origin: germline.

CeGaT Center for Human Genetics Tuebingen
Classification: Benign. Last evaluated: 2022-03-01. Review status: criteria provided, single submitter. Criteria: CeGaT Center For Human Genetics Tuebingen Variant Classification Criteria Version 2. Collection method: clinical testing. Allele origin: germline. Affected: yes. Observed: 1 variant allele.
Comment: PSTPIP1: BS1, BS2

Illumina Laboratory Services, Illumina
Classification: Benign for Pyogenic arthritis-pyoderma gangrenosum-acne syndrome. Last evaluated: 2018-01-13. Review status: criteria provided, single submitter. Criteria: ICSL Variant Classification Criteria 13 December 2019. Collection method: clinical testing. Allele origin: germline.
Comment: This variant was observed in the ICSL laboratory as part of a predisposition screen in an ostensibly healthy population. It had not been previously curated by ICSL or reported in the Human Gene Mutation Database (HGMD: prior to June 1st, 2018), and was therefore a candidate for classification through an automated scoring system. Utilizing variant allele frequency, disease prevalence and penetrance estimates, and inheritance mode, an automated score was calculated to assess if this variant is too frequent to cause the disease. Based on the score and internal cut-off values, a variant classified as benign is not then subjected to further curation. The score for this variant resulted in a classification of benign for this disease.

Genome Diagnostics Laboratory, The Hospital for Sick Children
Classification: Likely benign for Autoinflammatory syndrome. Last evaluated: 2016-12-12. Review status: criteria provided, single submitter. Criteria: ACMG Guidelines, 2015. Collection method: clinical testing. Allele origin: germline. Affected: yes.

GeneDx
Classification: Benign. Last evaluated: 2011-07-06. Review status: criteria provided, single submitter. Criteria: GeneDx Variant Classification (06012015). Collection method: clinical testing. Allele origin: germline. Affected: yes.
Comment: This variant is considered likely benign or benign based on one or more of the following criteria: it is a conservative change, it occurs at a poorly conserved position in the protein, it is predicted to be benign by multiple in silico algorithms, and/or has population frequency not consistent with disease.

NM_003978.5(PSTPIP1):c.563-8G>A

Gene: PSTPIP1 (proline-serine-threonine phosphatase interacting protein 1; plus strand). Cytogenetic location: 15q24.3.
Variant type: single nucleotide variant.
Coding change: c.563-8G>A on transcript NM_003978.5 (MANE Select); 8 bases into the intron before coding-DNA position 563, G replaced by A.
Molecular consequence: intron variant.
Genome position (GRCh38, 1-based): chr15:77,030,494, G>A. VCF-style: chr15-77030494-G-A. GRCh37 (hg19) VCF-style: chr15-77322835-G-A.
Other names: c.563-8G>A (LRG_172t1, NM_001321135.2); c.758-8G>A (NM_001321137.1); c.536-8G>A (NM_001321136.2).
Identifiers: ClinVar variation 138823 (VCV000138823.43), dbSNP rs183441330, ClinGen allele CA292933.